The following is an entry in ClinVar:

ClinVar aggregate classification (germline): Uncertain significance (1 of 4 stars; one submission).

Conditions:
Hereditary spastic paraplegia 75. Also called: Spastic paraplegia 75, autosomal recessive. Identifiers: Orphanet 459056, MedGen C4225250, MONDO:0014729, OMIM 616680.

Submission:

Labcorp Genetics (formerly Invitae), Labcorp
Classification: Uncertain significance for Hereditary spastic paraplegia 75. Last evaluated: 2018-05-06. Review status: criteria provided, single submitter. Criteria: Invitae Variant Classification Sherloc (09022015). Collection method: clinical testing. Allele origin: germline.
Comment: This sequence change replaces valine with leucine at codon 161 of the MAG protein (p.Val161Leu). The valine residue is highly conserved and there is a small physicochemical difference between valine and leucine. In summary, the available evidence is currently insufficient to determine the role of this variant in disease. Therefore, it has been classified as a Variant of Uncertain Significance. Algorithms developed to predict the effect of missense changes on protein structure and function do not agree on the potential impact of this missense change (SIFT: "Deleterious"; PolyPhen-2: "Possibly Damaging"; Align-GVGD: "Class C0"). This variant has not been reported in the literature in individuals with MAG-related disease. This variant is not present in population databases (ExAC no frequency).

NM_002361.4(MAG):c.481G>C (p.Val161Leu)

Gene: MAG (myelin associated glycoprotein; plus strand). Cytogenetic location: 19q13.12.
Variant type: single nucleotide variant.
Coding change: c.481G>C on transcript NM_002361.4 (MANE Select); coding-DNA position 481, G replaced by C.
Protein change: p.Val161Leu; replaces valine 161 with leucine.
Molecular consequence: missense variant.
Genome position (GRCh38, 1-based): chr19:35,299,619, G>C. VCF-style: chr19-35299619-G-C. GRCh37 (hg19) VCF-style: chr19-35790522-G-C.
Other names: c.406G>C, p.Val136Leu (NM_001199216.2); c.481G>C, p.Val161Leu (NM_080600.3); short protein forms V161L, V136L.
Identifiers: ClinVar variation 568848 (VCV000568848.8), dbSNP rs770946769, ClinGen allele CA405308042.
Genomic context (GRCh38, chr19:35,299,619, plus strand): 5'-CCCAACATCGTGGTGCCCCCAGAGGTGGTGGCAGGCACGGAGGTGGAGGTCAGCTGCATG[G>C]TGCCGGACAACTGCCCAGAGCTGCGCCCTGAGCTGAGCTGGCTGGGCCACGAGGGGCTGG-3'
Protein context (NP_002352.1, residues 151-171): AGTEVEVSCM[Val161Leu]PDNCPELRPE